The following is an entry in ClinVar:

ClinVar aggregate classification (germline): Uncertain significance (1 of 4 stars; one submission).

Submission:

Dasa
Classification: Uncertain significance. Last evaluated: 2025-09-26. Review status: criteria provided, single submitter. Criteria: DASA Assertion Criteria. Collection method: clinical testing. Allele origin: germline.
Comment: NM_005135.2(SLC12A6):c.118+9del is a splice-region variant. This variant is absent from population databases. Computational prediction algorithms are consistent with a benign effect. The currently available literature and clinical evidence are not sufficient to establish a definitive association between this variant and the reported condition. Therefore, this variant is classified as a variant of uncertain significance.

NM_001365088.1(SLC12A6):c.271+17858del

Gene: SLC12A6 (solute carrier family 12 member 6; minus strand). Cytogenetic location: 15q14.
Variant type: Deletion.
Coding change: c.271+17858del on transcript NM_001365088.1 (MANE Select); 17858 bases into the intron after coding-DNA position 271, one base deleted (G; older notation c.271+17858delG).
Molecular consequence: intron variant.
Genome position (GRCh38, 1-based): chr15:34,318,552, C deleted on the plus strand (G on the coding strand, the reverse complement: SLC12A6 is on the minus strand). VCF-style (leftmost placement, unchanged base first): chr15-34318551-GC-G. GRCh37 (hg19) VCF-style: chr15-34610752-GC-G.
Other names: c.94+17858del (NM_001042495.2, NM_001042494.2); c.244+17858del (NM_001042496.2); c.271+17858del (NM_001042497.2, NM_133647.2); c.118+9del (NM_005135.2).
Identifiers: ClinVar variation 4883922 (VCV004883922.2).